The following is an entry in ClinVar:

ClinVar aggregate classification (germline): Uncertain significance. Review status: criteria provided, multiple submitters, no conflicts (2 of 4 stars). 2 submissions from 2 submitters: Uncertain significance (2). Last evaluated 2025-12-04.

Conditions:
Kabuki syndrome. Also called: Kabuki make-up syndrome; NIIKAWA-KUROKI SYNDROME. Identifiers: Orphanet 2322, MedGen C0796004, MONDO:0016512.
KMT2D-related disorder. Also called: KMT2D-Related Disorders.

Submissions (2):

PreventionGenetics, part of Exact Sciences
Classification: Uncertain significance for KMT2D-related condition. Last evaluated: 2025-12-04. Review status: criteria provided, single submitter. Criteria: ACMG Guidelines, 2015. Collection method: clinical testing. Allele origin: germline.
Comment: The KMT2D c.11162T>G variant is predicted to result in the amino acid substitution p.Leu3721Arg. To our knowledge, this variant has not been reported in the literature or in a large population database (gnomAD), indicating this variant is rare. At this time, the clinical significance of this variant is uncertain due to the absence of conclusive functional and genetic evidence.

Labcorp Genetics (formerly Invitae), Labcorp
Classification: Uncertain significance for Kabuki syndrome. Last evaluated: 2025-11-01. Review status: criteria provided, single submitter. Criteria: Invitae Variant Classification Sherloc (09022015). Collection method: clinical testing. Allele origin: germline.
Comment: This sequence change replaces leucine, which is neutral and non-polar, with arginine, which is basic and polar, at codon 3721 of the KMT2D protein (p.Leu3721Arg). This variant is not present in population databases (gnomAD no frequency). This variant has not been reported in the literature in individuals affected with KMT2D-related conditions. Invitae Evidence Modeling of protein sequence and biophysical properties (such as structural, functional, and spatial information, amino acid conservation, physicochemical variation, residue mobility, and thermodynamic stability) has been performed for this missense variant. However, the output from this modeling did not meet the statistical confidence thresholds required to predict the impact of this variant on KMT2D protein function. In summary, the available evidence is currently insufficient to determine the role of this variant in disease. Therefore, it has been classified as a Variant of Uncertain Significance.

NM_003482.4(KMT2D):c.11162T>G (p.Leu3721Arg)

Gene: KMT2D (lysine methyltransferase 2D; minus strand). Cytogenetic location: 12q13.12.
Variant type: single nucleotide variant.
Coding change: c.11162T>G on transcript NM_003482.4 (MANE Select); coding-DNA position 11162, T replaced by G.
Protein change: p.Leu3721Arg; replaces leucine 3721 with arginine.
Molecular consequence: missense variant.
Genome position (GRCh38, 1-based): chr12:49,033,543, A>C on the plus strand (T>G on the coding strand, the complement: KMT2D is on the minus strand). VCF-style: chr12-49033543-A-C. GRCh37 (hg19) VCF-style: chr12-49427326-A-C.
Other names: short protein forms L3721R.
Identifiers: ClinVar variation 4801209 (VCV004801209.2).